The following is an entry in ClinVar:

NM_002485.5(NBN):c.867G>T (p.Trp289Cys)

Gene: NBN (nibrin; minus strand). Cytogenetic location: 8q21.3.
Variant type: single nucleotide variant.
Coding change: c.867G>T on transcript NM_002485.5 (MANE Select); coding-DNA position 867, G replaced by T.
Protein change: p.Trp289Cys; replaces tryptophan 289 with cysteine.
Molecular consequence: missense variant.
Genome position (GRCh38, 1-based): chr8:89,970,393, C>A on the plus strand (G>T on the coding strand, the complement: NBN is on the minus strand). VCF-style: chr8-89970393-C-A. GRCh37 (hg19) VCF-style: chr8-90982621-C-A.
Other names: c.621G>T, p.Trp207Cys (NM_001024688.3); short protein forms W289C, W207C.
Identifiers: ClinVar variation 411768 (VCV000411768.13), dbSNP rs1060503475, ClinGen allele CA16612369.

ClinVar aggregate classification (germline): Uncertain significance. Review status: criteria provided, multiple submitters, no conflicts (2 of 4 stars). 3 submissions from 3 submitters: Uncertain significance (2). 1 of the submissions does not count toward it. Last evaluated 2025-10-23.

Conditions:
Microcephaly, normal intelligence and immunodeficiency (NBS). Also called: IMMUNODEFICIENCY, MICROCEPHALY, AND CHROMOSOMAL INSTABILITY; SEEMANOVA SYNDROME II; Immunodeficiency, microcephaly with normal intelligence; Ataxia telangiectasia variant V1; Nijmegen breakage syndrome; Microcephaly with normal intelligence immunodeficiency and lymphoreticular malignancies. Identifiers: Orphanet 647, MedGen C0398791, MONDO:0009623, OMIM 251260.
Hereditary cancer-predisposing syndrome. Also called: Hereditary neoplastic syndrome; Neoplastic Syndromes, Hereditary; Tumor predisposition; Hereditary Cancer Syndrome. Identifiers: Orphanet 140162, MedGen C0027672, MeSH D009386, MONDO:0015356.

Allele frequency attached by ClinVar (database versions not stated): gnomAD exomes below 0.00001.
gnomAD v4.1: 1 of 1,613,414 alleles (0.000062%); highest among the groups gnomAD compares: Non-Finnish European, 0.000085%; no homozygotes.

Submissions (3):

Ambry Genetics
Classification: Uncertain significance for Hereditary cancer-predisposing syndrome. Last evaluated: 2025-10-23. Review status: criteria provided, single submitter. Criteria: Ambry Variant Classification Scheme 2023. Collection method: clinical testing. Allele origin: germline.
Comment: The p.W289C variant (also known as c.867G>T), located in coding exon 7 of the NBN gene, results from a G to T substitution at nucleotide position 867. The tryptophan at codon 289 is replaced by cysteine, an amino acid with highly dissimilar properties. This amino acid position is conserved. In addition, this alteration is predicted to be tolerated by in silico analysis. Since supporting evidence is limited at this time, the clinical significance of this alteration remains unclear.

Labcorp Genetics (formerly Invitae), Labcorp
Classification: Uncertain significance for Microcephaly, normal intelligence and immunodeficiency. Last evaluated: 2025-04-17. Review status: criteria provided, single submitter. Criteria: Invitae Variant Classification Sherloc (09022015). Collection method: clinical testing. Allele origin: germline.
Comment: This sequence change replaces tryptophan, which is neutral and slightly polar, with cysteine, which is neutral and slightly polar, at codon 289 of the NBN protein (p.Trp289Cys). This variant is not present in population databases (gnomAD no frequency). This variant has not been reported in the literature in individuals affected with NBN-related conditions. ClinVar contains an entry for this variant (Variation ID: 411768). An algorithm developed to predict the effect of missense changes on protein structure and function outputs the following: PolyPhen-2: "Benign". The cysteine amino acid residue is found in multiple mammalian species, which suggests that this missense change does not adversely affect protein function. In summary, the available evidence is currently insufficient to determine the role of this variant in disease. Therefore, it has been classified as a Variant of Uncertain Significance.

Natera, Inc.
Classification: Uncertain significance for Nijmegen breakage syndrome. Last evaluated: 2021-03-11. Review status: no assertion criteria provided. Collection method: clinical testing. Allele origin: germline. Not counted in ClinVar's aggregate classification.